The following is an entry in ClinVar:

ClinVar aggregate classification (germline): Uncertain significance (1 of 4 stars; one submission).

Conditions:
Inborn genetic diseases. Identifiers: MedGen C0950123, MeSH D030342.

gnomAD v4.1: 1 of 1,572,192 alleles (0.000064%); highest among the groups gnomAD compares: South Asian, 0.0012%; no homozygotes.

Submission:

Ambry Genetics
Classification: Uncertain significance for Inborn genetic diseases. Last evaluated: 2025-09-26. Review status: criteria provided, single submitter. Criteria: Ambry Variant Classification Scheme 2023. Collection method: clinical testing. Allele origin: germline.
Comment: The p.A17P variant (also known as c.49G>C), located in coding exon 1 of the SH2B3 gene, results from a G to C substitution at nucleotide position 49. The alanine at codon 17 is replaced by proline, an amino acid with highly similar properties. This amino acid position is conserved. In addition, this alteration is predicted to be tolerated by in silico analysis. Based on the available evidence, the clinical significance of this variant remains unclear.

NM_005475.3(SH2B3):c.49G>C (p.Ala17Pro)

Gene: SH2B3 (SH2B adaptor protein 3; plus strand). Cytogenetic location: 12q24.12.
Variant type: single nucleotide variant.
Coding change: c.49G>C on transcript NM_005475.3 (MANE Select); coding-DNA position 49, G replaced by C.
Protein change: p.Ala17Pro; replaces alanine 17 with proline.
Molecular consequence: missense variant.
Genome position (GRCh38, 1-based): chr12:111,418,194, G>C. VCF-style: chr12-111418194-G-C. GRCh37 (hg19) VCF-style: chr12-111855998-G-C.
Other names: short protein forms A17P.
Identifiers: ClinVar variation 4630694 (VCV004630694.1).